The following is an entry in ClinVar:

NM_033125.4(SLC22A16):c.1237G>A (p.Gly413Arg)

Gene: SLC22A16 (solute carrier family 22 member 16; minus strand). Cytogenetic location: 6q21.
Variant type: single nucleotide variant.
Coding change: c.1237G>A on transcript NM_033125.4 (MANE Select); coding-DNA position 1237, G replaced by A.
Protein change: p.Gly413Arg; replaces glycine 413 with arginine.
Molecular consequence: missense variant.
Genome position (GRCh38, 1-based): chr6:110,438,794, C>T on the plus strand (G>A on the coding strand, the complement: SLC22A16 is on the minus strand). VCF-style: chr6-110438794-C-T. GRCh37 (hg19) VCF-style: chr6-110759997-C-T.
Other names: short protein forms G413R.
Identifiers: ClinVar variation 4166667 (VCV004166667.2).

ClinVar aggregate classification (germline): Uncertain significance. Review status: criteria provided, multiple submitters, no conflicts (2 of 4 stars). 2 submissions from 2 submitters: Uncertain significance (2). Last evaluated 2026-04-01.

Conditions:
Primary ciliary dyskinesia. Also called: Ciliary dyskinesia. Identifiers: Orphanet 244, MedGen C0008780, MONDO:0016575, HP:0012265.

gnomAD v4.1: 37 of 1,614,134 alleles (0.0023%); highest among the groups gnomAD compares: Middle Eastern, 0.033%; no homozygotes.

Submissions (2):

Department of Human Genetics, Hannover Medical School
Classification: Uncertain significance for Primary Ciliary Dyskinesia. Last evaluated: 2026-04-01. Review status: criteria provided, single submitter. Criteria: ACMG Guidelines, 2015. Collection method: research. Allele origin: germline. Affected: no.
Comment: Classification performed by HerediClassify using the following criteria:['PM2_supporting: Variant occures does not occur as homozygous in gnomAD.', 'PP3_protein_supporting: Variant is predicted to be pathogenic by REVEL with evidence strength supporting.', "PP4_moderate: The PICADAR socre of 6.0 exceeds threshold of 6 achieving 'moderate' evidence strength."]

Ambry Genetics
Classification: Uncertain significance. Last evaluated: 2025-06-18. Review status: criteria provided, single submitter. Criteria: Ambry Variant Classification Scheme 2023. Collection method: clinical testing. Allele origin: germline.